The following is an entry in ClinVar:

ClinVar aggregate classification (germline): Uncertain significance (1 of 4 stars; one submission).

Allele frequency attached by ClinVar (database versions not stated): gnomAD exomes 0.00001.

Submission:

Labcorp Genetics (formerly Invitae), Labcorp
Classification: Uncertain significance. Last evaluated: 2024-02-24. Review status: criteria provided, single submitter. Criteria: Invitae Variant Classification Sherloc (09022015). Collection method: clinical testing. Allele origin: germline.
Comment: This sequence change replaces lysine, which is basic and polar, with glutamic acid, which is acidic and polar, at codon 744 of the PCDH12 protein (p.Lys744Glu). This variant is present in population databases (no rsID available, gnomAD 0.003%). This variant has not been reported in the literature in individuals affected with PCDH12-related conditions. ClinVar contains an entry for this variant (Variation ID: 1916835). Advanced modeling of protein sequence and biophysical properties (such as structural, functional, and spatial information, amino acid conservation, physicochemical variation, residue mobility, and thermodynamic stability) performed at Invitae indicates that this missense variant is not expected to disrupt PCDH12 protein function with a negative predictive value of 95%. In summary, the available evidence is currently insufficient to determine the role of this variant in disease. Therefore, it has been classified as a Variant of Uncertain Significance.

NM_016580.4(PCDH12):c.2230A>G (p.Lys744Glu)

Genes: PCDH12 (protocadherin 12; minus strand), RNF14 (ring finger protein 14; plus strand). Cytogenetic location: 5q31.3.
Variant type: single nucleotide variant.
Coding change: c.2230A>G on transcript NM_016580.4 (MANE Select); coding-DNA position 2230, A replaced by G.
Protein change: p.Lys744Glu; replaces lysine 744 with glutamic acid.
Molecular consequence: missense variant.
Genome position (GRCh38, 1-based): chr5:141,955,622, T>C on the plus strand (A>G on the coding strand, the complement: PCDH12 is on the minus strand). VCF-style: chr5-141955622-T-C. GRCh37 (hg19) VCF-style: chr5-141335187-T-C.
Other names: short protein forms K744E.
Identifiers: ClinVar variation 1916835 (VCV001916835.4), dbSNP rs1449019079, ClinGen allele CA361577253.